The following is an entry in ClinVar:

ClinVar aggregate classification (germline): Uncertain significance. Review status: criteria provided, multiple submitters, no conflicts (2 of 4 stars). 3 submissions from 3 submitters: Uncertain significance (3). Last evaluated 2025-03-19.

Conditions:
DNMT3A-related disorder. Also called: DNMT3A-related condition; DNMT3A-related disorders.
Tatton-Brown-Rahman overgrowth syndrome. Also called: Tall stature-intellectual disability-facial dysmorphism syndrome; Tatton-Brown-Rahman syndrome. Identifiers: Orphanet 404443, MedGen C4014545, MONDO:0014382, OMIM 615879.

Allele frequency attached by ClinVar (database versions not stated): gnomAD exomes below 0.00001; gnomAD 0.00001; TOPMed 0.00002.
gnomAD v4.1: 3 of 1,614,114 alleles (0.00019%); highest among the groups gnomAD compares: Admixed American, 0.0017%; no homozygotes.

Submissions (3):

PreventionGenetics, part of Exact Sciences
Classification: Uncertain significance for DNMT3A-related condition. Last evaluated: 2025-03-19. Review status: criteria provided, single submitter. Criteria: ACMG Guidelines, 2015. Collection method: clinical testing. Allele origin: germline.
Comment: The DNMT3A c.2287G>A variant is predicted to result in the amino acid substitution p.Val763Ile. To our knowledge, this variant has not been reported in the literature or in a large population database (gnomAD), indicating this variant is rare. At this time, the clinical significance of this variant is uncertain due to the absence of conclusive functional and genetic evidence.

Blueprint Genetics
Classification: Uncertain significance. Last evaluated: 2023-05-15. Review status: criteria provided, single submitter. Criteria: ACMG Guidelines, 2015. Collection method: clinical testing. Allele origin: germline.

Labcorp Genetics (formerly Invitae), Labcorp
Classification: Uncertain significance for Tatton-Brown-Rahman overgrowth syndrome. Last evaluated: 2022-03-11. Review status: criteria provided, single submitter. Criteria: Invitae Variant Classification Sherloc (09022015). Collection method: clinical testing. Allele origin: germline.
Comment: Algorithms developed to predict the effect of missense changes on protein structure and function are either unavailable or do not agree on the potential impact of this missense change (SIFT: "Deleterious"; PolyPhen-2: "Benign"; Align-GVGD: "Class C0"). This sequence change replaces valine, which is neutral and non-polar, with isoleucine, which is neutral and non-polar, at codon 763 of the DNMT3A protein (p.Val763Ile). This variant is not present in population databases (gnomAD no frequency). This variant has not been reported in the literature in individuals affected with DNMT3A-related conditions. In summary, the available evidence is currently insufficient to determine the role of this variant in disease. Therefore, it has been classified as a Variant of Uncertain Significance.

NM_022552.5(DNMT3A):c.2287G>A (p.Val763Ile)

Gene: DNMT3A (DNA methyltransferase 3 alpha; minus strand). Cytogenetic location: 2p23.3.
Variant type: single nucleotide variant.
Coding change: c.2287G>A on transcript NM_022552.5 (MANE Select); coding-DNA position 2287, G replaced by A.
Protein change: p.Val763Ile; replaces valine 763 with isoleucine.
Molecular consequence: missense variant. On other transcripts: non-coding transcript variant (1).
Genome position (GRCh38, 1-based): chr2:25,240,337, C>T on the plus strand (G>A on the coding strand, the complement: DNMT3A is on the minus strand). VCF-style: chr2-25240337-C-T. GRCh37 (hg19) VCF-style: chr2-25463206-C-T.
Other names: c.1831G>A, p.Val611Ile (NM_001320893.1); c.1618G>A, p.Val540Ile (NM_001375819.1); c.1720G>A, p.Val574Ile (NM_153759.3); c.2287G>A, p.Val763Ile (NM_175629.2); short protein forms V763I, V574I, V611I, V540I.
Identifiers: ClinVar variation 2170066 (VCV002170066.6), dbSNP rs1369746569, ClinGen allele CA346069773.
Genomic context (GRCh38, chr2:25,240,337, plus strand): 5'-GCCAAACCAAGGTTGCTGGCTATACCTCGAGAAATCGCGAGATGTCCCTCTTGTCACTAA[C>T]GCCCATGGCCACCACATTCTCAAAGAGCCAGAAGAAGGGGCGATCATCTCCCTCCTTGGG-3'
Protein context (NP_072046.2, residues 753-773): WLFENVVAMG[Val763Ile]SDKRDISRFL